The following is an entry in ClinVar:

NM_032578.4(MYPN):c.2009T>C (p.Val670Ala)

Gene: MYPN (myopalladin; plus strand). Cytogenetic location: 10q21.3.
Variant type: single nucleotide variant.
Coding change: c.2009T>C on transcript NM_032578.4 (MANE Select); coding-DNA position 2009, T replaced by C.
Protein change: p.Val670Ala; replaces valine 670 with alanine.
Molecular consequence: missense variant. On other transcripts: non-coding transcript variant (2).
Genome position (GRCh38, 1-based): chr10:68,174,101, T>C. VCF-style: chr10-68174101-T-C. GRCh37 (hg19) VCF-style: chr10-69933858-T-C.
Other names: c.2009T>C, p.Val670Ala (NM_001256267.2); c.1127T>C, p.Val376Ala (NM_001256268.2); short protein forms V376A, V670A.
Identifiers: ClinVar variation 3723381 (VCV003723381.2).

ClinVar aggregate classification (germline): Uncertain significance (1 of 4 stars; one submission).

Conditions:
Dilated cardiomyopathy 1KK (CMD1KK). Identifiers: Orphanet 154, Orphanet 75249, MedGen C3714995, MONDO:0014100, OMIM 615248.

Submission:

Labcorp Genetics (formerly Invitae), Labcorp
Classification: Uncertain significance for Dilated cardiomyopathy 1KK. Last evaluated: 2024-12-09. Review status: criteria provided, single submitter. Criteria: Invitae Variant Classification Sherloc (09022015). Collection method: clinical testing. Allele origin: germline.
Comment: This sequence change replaces valine, which is neutral and non-polar, with alanine, which is neutral and non-polar, at codon 670 of the MYPN protein (p.Val670Ala). This variant is not present in population databases (gnomAD no frequency). This variant has not been reported in the literature in individuals affected with MYPN-related conditions. An algorithm developed to predict the effect of missense changes on protein structure and function (PolyPhen-2) suggests that this variant is likely to be disruptive. In summary, the available evidence is currently insufficient to determine the role of this variant in disease. Therefore, it has been classified as a Variant of Uncertain Significance.